The following is an entry in ClinVar:

ClinVar aggregate classification (germline): Likely benign. Review status: criteria provided, single submitter (1 of 4 stars). 2 submissions from 2 submitters: Likely benign (1). 1 of the submissions does not count toward it. Last evaluated 2025-07-01.

Conditions:
CBLIF-related disorder. Also called: CBLIF-related condition.
Hereditary intrinsic factor deficiency (IFD). Also called: Congenital intrinsic factor deficiency; PERNICIOUS ANEMIA, CONGENITAL, DUE TO DEFECT OF INTRINSIC FACTOR. Identifiers: Orphanet 332, MedGen C2062370, MONDO:0009852, OMIM 261000.

Submissions (2):

Labcorp Genetics (formerly Invitae), Labcorp
Classification: Likely benign for Hereditary intrinsic factor deficiency. Last evaluated: 2025-07-01. Review status: criteria provided, single submitter. Criteria: Invitae Variant Classification Sherloc (09022015). Collection method: clinical testing. Allele origin: germline.

PreventionGenetics, part of Exact Sciences
Classification: Likely benign for CBLIF-related condition. Last evaluated: 2019-08-09. Review status: no assertion criteria provided. Collection method: clinical testing. Allele origin: germline. Not counted in ClinVar's aggregate classification.
Comment: This variant is classified as likely benign based on ACMG/AMP sequence variant interpretation guidelines (Richards et al. 2015 PMID: 25741868, with internal and published modifications).

NM_005142.3(CBLIF):c.276C>T (p.Leu92=)

Gene: CBLIF (cobalamin binding intrinsic factor; minus strand). Cytogenetic location: 11q12.1.
Variant type: single nucleotide variant.
Coding change: c.276C>T on transcript NM_005142.3 (MANE Select); coding-DNA position 276, C replaced by T.
Protein change: p.Leu92=; no amino-acid change (leucine 92 retained).
Molecular consequence: synonymous variant.
Genome position (GRCh38, 1-based): chr11:59,843,122, G>A on the plus strand (C>T on the coding strand, the complement: CBLIF is on the minus strand). VCF-style: chr11-59843122-G-A. GRCh37 (hg19) VCF-style: chr11-59610595-G-A.
Identifiers: ClinVar variation 3034563 (VCV003034563.4), dbSNP rs761587396, ClinGen allele CA6021619.
Genomic context (GRCh38, chr11:59,843,122, plus strand): 5'-AATGGATACTTTATCCCCAGGGTCTCGGCAGGAGGAGGTGAGGGCCATGATGGTGAGGCC[G>A]AGCTGCCCAATGGTTAGATCTGCAGAGAAGAGAACACAACGGTTAGACAGAGACATCCTC-3'
Protein context (NP_005133.2, residues 82-102): SDNNDLTIGQ[Leu92=]GLTIMALTSS